The following is an entry in ClinVar:

NM_000059.4(BRCA2):c.9118G>A (p.Val3040Ile)

Gene: BRCA2 (BRCA2 DNA repair associated; plus strand). Cytogenetic location: 13q13.1.
Variant type: single nucleotide variant.
Coding change: c.9118G>A on transcript NM_000059.4 (MANE Select); coding-DNA position 9118, G replaced by A.
Protein change: p.Val3040Ile; replaces valine 3040 with isoleucine.
Molecular consequence: missense variant.
Genome position (GRCh38, 1-based): chr13:32,380,007, G>A. VCF-style: chr13-32380007-G-A. GRCh37 (hg19) VCF-style: chr13-32954144-G-A.
Other names: short protein forms V3040I.
Identifiers: ClinVar variation 52760 (VCV000052760.13), dbSNP rs80359168, ClinGen allele CA025998.

ClinVar aggregate classification (germline): Uncertain significance. Review status: criteria provided, multiple submitters, no conflicts (2 of 4 stars). 6 submissions from 6 submitters: Uncertain significance (4). 2 of the submissions do not count toward it. Last evaluated 2024-07-30.

Conditions:
Hereditary breast ovarian cancer syndrome. Also called: Hereditary breast and ovarian cancer syndrome; Hereditary breast and ovarian cancer; Hereditary breast and ovarian cancer syndrome (HBOC); Breast and ovarian cancer; Hereditary breast and/or ovarian cancer syndrome; BRCA1- and BRCA2-Associated Hereditary Breast and Ovarian Cancer. Identifiers: Orphanet 145, MedGen C0677776, MeSH D061325, MONDO:0003582. Disease mechanism: loss of function.
Hereditary cancer-predisposing syndrome. Also called: Neoplastic Syndromes, Hereditary; Tumor predisposition; Hereditary neoplastic syndrome; Hereditary Cancer Syndrome. Identifiers: Orphanet 140162, MedGen C0027672, MeSH D009386, MONDO:0015356.
Breast-ovarian cancer, familial, susceptibility to, 2 (BROVCA2). Also called: BRCA2 Hereditary Breast and Ovarian Cancer. Identifiers: Orphanet 145, MedGen C2675520, MONDO:0012933, OMIM 612555. Disease mechanism: loss of function.

Submissions (6):

Molecular Pathology, Peter Maccallum Cancer Centre
Classification: Uncertain significance for Breast-ovarian cancer, familial, susceptibility to, 2. Last evaluated: 2024-07-30. Review status: criteria provided, single submitter. Criteria: ACMG Guidelines, 2015. Collection method: clinical testing. Allele origin: germline. Inheritance: Autosomal dominant inheritance.

Color Diagnostics, LLC DBA Color Health
Classification: Uncertain significance for Hereditary cancer-predisposing syndrome. Last evaluated: 2023-07-06. Review status: criteria provided, single submitter. Criteria: ACMG Guidelines, 2015. Collection method: clinical testing. Allele origin: germline.
Comment: This missense variant replaces valine with isoleucine at codon 3040 of the BRCA2 protein. Computational prediction suggests that this variant may not impact protein structure and function (internally defined REVEL score threshold <= 0.5, PMID: 27666373). To our knowledge, functional studies have not been reported for this variant. This variant has been reported in a multifactorial analysis with co-occurrence and family history likelihood ratios for pathogenicity of 1.025 and 0.885, respectively (PMID: 31131967). This variant has not been identified in the general population by the Genome Aggregation Database (gnomAD). The available evidence is insufficient to determine the role of this variant in disease conclusively. Therefore, this variant is classified as a Variant of Uncertain Significance.

Labcorp Genetics (formerly Invitae), Labcorp
Classification: Uncertain significance for Hereditary breast ovarian cancer syndrome. Last evaluated: 2022-10-23. Review status: criteria provided, single submitter. Criteria: Invitae Variant Classification Sherloc (09022015). Collection method: clinical testing. Allele origin: germline.
Comment: This sequence change replaces valine, which is neutral and non-polar, with isoleucine, which is neutral and non-polar, at codon 3040 of the BRCA2 protein (p.Val3040Ile). This variant is not present in population databases (gnomAD no frequency). This variant has not been reported in the literature in individuals affected with BRCA2-related conditions. ClinVar contains an entry for this variant (Variation ID: 52760). An algorithm developed specifically for the BRCA2 gene suggests that this missense change is likely to be tolerated (PMID: 19043619). Algorithms developed to predict the effect of sequence changes on RNA splicing suggest that this variant may create or strengthen a splice site. In summary, the available evidence is currently insufficient to determine the role of this variant in disease. Therefore, it has been classified as a Variant of Uncertain Significance.

Ambry Genetics
Classification: Uncertain significance for Hereditary cancer-predisposing syndrome. Last evaluated: 2022-07-07. Review status: criteria provided, single submitter. Criteria: Ambry Variant Classification Scheme 2023. Collection method: clinical testing. Allele origin: germline.
Comment: The p.V3040I variant (also known as c.9118G>A), located in coding exon 23 of the BRCA2 gene, results from a G to A substitution at nucleotide position 9118. This variant impacts the first base pair of coding exon 23. The valine at codon 3040 is replaced by isoleucine, an amino acid with highly similar properties. This amino acid position is poorly conserved in available vertebrate species. In addition, this alteration is predicted to be tolerated by in silico analysis. Since supporting evidence is limited at this time, the clinical significance of this alteration remains unclear.

Department of Medical and Surgical Sciences, University of Bologna
Classification: Uncertain significance for Breast-ovarian cancer, familial, susceptibility to, 2. Last evaluated: 2023-09-01. Review status: no assertion criteria provided. Collection method: clinical testing. Allele origin: germline. Affected: yes. Not counted in ClinVar's aggregate classification.
Comment: PM2(Supporting)+PP3(Supporting) according to ACMG/AMP classification guidelines specified for BRCA1 & BRCA2 (Classification Criteria V1.0.0 2023-09-08) (PMID: 38160042)

Breast Cancer Information Core (BIC) (BRCA2)
Classification: Uncertain significance for Breast-ovarian cancer, familial 2. Last evaluated: 2001-10-29. Review status: no assertion criteria provided. Collection method: clinical testing. Allele origin: germline. Affected: yes. Observed: 1 variant allele. Not counted in ClinVar's aggregate classification.

Literature cited by the submitters: PubMed 31131967 (cited by Color Diagnostics, LLC DBA Color Health); PubMed 19043619 (cited by Labcorp Genetics (formerly Invitae), Labcorp).